The following is an entry in ClinVar:

NM_001184.4(ATR):c.7651_7655+7del

Gene: ATR (ATR checkpoint kinase; minus strand). Cytogenetic location: 3q23.
Variant type: Deletion.
Coding change: c.7651_7655+7del on transcript NM_001184.4 (MANE Select); coding-DNA position 7651 through 7 bases into the intron after coding-DNA position 7655, 12 bases deleted (ATGAGGTAATCA).
Molecular consequence: splice donor variant.
Genome position (GRCh38, 1-based): chr3:142,457,597-142,457,608, TGATTACCTCAT deleted on the plus strand (ATGAGGTAATCA on the coding strand, the reverse complement: ATR is on the minus strand); deleting any 12 consecutive bases within chr3:142,457,597-142,457,609 gives the same sequence; the c. name uses the placement nearest the transcript's 3' end. VCF-style (leftmost placement, unchanged base first): chr3-142457596-GTGATTACCTCAT-G. GRCh37 (hg19) VCF-style: chr3-142176438-GTGATTACCTCAT-G.
Other names: c.7459_7463+7del (NM_001354579.2).
Identifiers: ClinVar variation 3645244 (VCV003645244.2).

ClinVar aggregate classification (germline): Likely pathogenic (1 of 4 stars; one submission).

Submission:

Labcorp Genetics (formerly Invitae), Labcorp
Classification: Likely pathogenic. Last evaluated: 2024-03-09. Review status: criteria provided, single submitter. Criteria: Invitae Variant Classification Sherloc (09022015). Collection method: clinical testing. Allele origin: germline.
Comment: This variant results in the deletion of part of exon 45 (c.7651_7655+7del) of the ATR gene. It is expected to disrupt RNA splicing. Variants that disrupt the donor or acceptor splice site typically lead to a loss of protein function (PMID: 16199547), and loss-of-function variants in ATR are known to be pathogenic (PMID: 21228398, 23144622). This variant is not present in population databases (gnomAD no frequency). This variant has not been reported in the literature in individuals affected with ATR-related conditions. In summary, the currently available evidence indicates that the variant is pathogenic, but additional data are needed to prove that conclusively. Therefore, this variant has been classified as Likely Pathogenic.

Literature cited by the submitters: PubMed 16199547; PubMed 21228398; PubMed 23144622.